The following is an entry in ClinVar:

NM_006514.4(SCN10A):c.2305T>C (p.Ser769Pro)

Gene: SCN10A (sodium voltage-gated channel alpha subunit 10; minus strand). Cytogenetic location: 3p22.2.
Variant type: single nucleotide variant.
Coding change: c.2305T>C on transcript NM_006514.4 (MANE Select); coding-DNA position 2305, T replaced by C.
Protein change: p.Ser769Pro; replaces serine 769 with proline.
Molecular consequence: missense variant.
Genome position (GRCh38, 1-based): chr3:38,728,877, A>G on the plus strand (T>C on the coding strand, the complement: SCN10A is on the minus strand). VCF-style: chr3-38728877-A-G. GRCh37 (hg19) VCF-style: chr3-38770368-A-G.
Other names: c.2305T>C, p.Ser769Pro (NM_001293306.2); c.2011T>C, p.Ser671Pro (NM_001293307.2); c.2305T>C (NM_006514.2); short protein forms S671P, S769P.
Identifiers: ClinVar variation 943294 (VCV000943294.10), dbSNP rs1330358186, ClinGen allele CA352161365.
Genomic context (GRCh38, chr3:38,728,877, plus strand): 5'-TCCCCAGTGCCCCCACTGAGTTTCCGATGATCTTGATGAGTGTGTTTAAGGTGGGCCAGG[A>G]TTTGGCCAGCTTGAATACGCGCAGCTGCAGAGAAACAGAGACCGTCAGGTTTTGGTAGCT-3'
Protein context (NP_006505.4, residues 759-779): RLLRVFKLAK[Ser769Pro]WPTLNTLIKI

ClinVar aggregate classification (germline): Uncertain significance. Review status: criteria provided, multiple submitters, no conflicts (2 of 4 stars). 3 submissions from 3 submitters: Uncertain significance (3). Last evaluated 2024-12-12.

Conditions:
Brugada syndrome. Also called: Sudden unexpected nocturnal death syndrome; Sudden Unexplained Death Syndrome; Sudden Unexplained Nocturnal Death Syndrome (SUNDS); Sudden unexplained nocturnal death syndrome. Identifiers: Orphanet 130, MedGen C1142166, MONDO:0015263.
Cardiovascular phenotype. Identifiers: MedGen CN230736.

Allele frequency attached by ClinVar (database versions not stated): gnomAD exomes below 0.00001 and 0.00001; gnomAD 0.00001; TOPMed 0.00002.
gnomAD v4.1: 17 of 1,610,938 alleles (0.0011%); highest among the groups gnomAD compares: Non-Finnish European, 0.0014%; no homozygotes.

Submissions (3):

Labcorp Genetics (formerly Invitae), Labcorp
Classification: Uncertain significance for Brugada syndrome. Last evaluated: 2024-12-12. Review status: criteria provided, single submitter. Criteria: Invitae Variant Classification Sherloc (09022015). Collection method: clinical testing. Allele origin: germline.
Comment: This sequence change replaces serine, which is neutral and polar, with proline, which is neutral and non-polar, at codon 769 of the SCN10A protein (p.Ser769Pro). This variant is present in population databases (no rsID available, gnomAD 0.0009%). This variant has not been reported in the literature in individuals affected with SCN10A-related conditions. ClinVar contains an entry for this variant (Variation ID: 943294). Invitae Evidence Modeling of protein sequence and biophysical properties (such as structural, functional, and spatial information, amino acid conservation, physicochemical variation, residue mobility, and thermodynamic stability) indicates that this missense variant is expected to disrupt SCN10A protein function with a positive predictive value of 80%. In summary, the available evidence is currently insufficient to determine the role of this variant in disease. Therefore, it has been classified as a Variant of Uncertain Significance.

Ambry Genetics
Classification: Uncertain significance for Cardiovascular phenotype. Last evaluated: 2022-07-08. Review status: criteria provided, single submitter. Criteria: Ambry Variant Classification Scheme 2023. Collection method: clinical testing. Allele origin: germline.
Comment: The p.S769P variant (also known as c.2305T>C), located in coding exon 15 of the SCN10A gene, results from a T to C substitution at nucleotide position 2305. The serine at codon 769 is replaced by proline, an amino acid with similar properties. This amino acid position is highly conserved in available vertebrate species. In addition, this alteration is predicted to be deleterious by in silico analysis. Since supporting evidence is limited at this time, the clinical significance of this alteration remains unclear.

GeneDx
Classification: Uncertain significance. Last evaluated: 2019-08-09. Review status: criteria provided, single submitter. Criteria: GeneDx Variant Classification Process June 2021. Collection method: clinical testing. Allele origin: germline. Affected: yes.
Comment: Has not been previously published as pathogenic or benign to our knowledge; Not observed at a significant frequency in large population cohorts (Lek et al., 2016); In silico analysis, which includes protein predictors and evolutionary conservation, supports a deleterious effect